The following is an entry in ClinVar:

NM_001754.5(RUNX1):c.508+6T>C

Genes: RUNX1 (RUNX family transcription factor 1; minus strand), RUNX1-AS1 (RUNX1 antisense RNA 1; plus strand). Cytogenetic location: 21q22.12.
Variant type: single nucleotide variant.
Coding change: c.508+6T>C on transcript NM_001754.5 (MANE Select); 6 bases into the intron after coding-DNA position 508, T replaced by C.
Molecular consequence: intron variant.
Genome position (GRCh38, 1-based): chr21:34,880,551, A>G on the plus strand (T>C on the coding strand, the complement: RUNX1 is on the minus strand). VCF-style: chr21-34880551-A-G. GRCh37 (hg19) VCF-style: chr21-36252848-A-G.
Other names: c.427+6T>C (NM_001001890.3, NM_001122607.2).
Identifiers: ClinVar variation 846000 (VCV000846000.11), dbSNP rs2057883210, ClinGen allele CA916081956.

ClinVar aggregate classification (germline): Likely benign. Review status: reviewed by expert panel (3 of 4 stars). 2 submissions from 2 submitters: Likely benign (1). 1 of the submissions does not count toward it. Last evaluated 2025-01-15.

Conditions:
Hereditary thrombocytopenia and hematological cancer predisposition syndrome associated with RUNX1. Also called: PLATELET DISORDER, ASPIRIN-LIKE; Familial Platelet Disorder with Propensity to Acute Myelogenous Leukemia; Familial thrombocytopenia with propensity to acute myelogenous leukemia; RUNX1 Familial Platelet Disorder with Associated Myeloid Malignancies. Identifiers: Orphanet 71290, MedGen C1832388, MeSH C563324, MONDO:0100083, OMIM 601399.
Hereditary thrombocytopenia and hematologic cancer predisposition syndrome. Identifiers: Orphanet 71290, MedGen CN281654, MONDO:0011071.

Submissions (2):

ClinGen Myeloid Malignancy Variant Curation Expert Panel
Classification: Likely benign for Hereditary thrombocytopenia and hematologic cancer predisposition syndrome. Last evaluated: 2025-01-15. Review status: reviewed by expert panel. Criteria: ClinGen MyeloMalig ACMG Specifications v2. Collection method: curation. Allele origin: germline. Inheritance: Autosomal dominant inheritance.
Comment: NM_001754.5(RUNX1):c.508+6T>C is an intronic variant not predicted to affect splicing (BP4). This variant has a SpliceAI score ≤ 0.20 (0.14) and evolutionary conservation prediction algorithms predict the site as not being conserved (PhyloP score ≤ 2.0 (0.836)) (BP7). This variant is not present in any population databases (PM2_Supporting). In summary, the clinical significance of this variant is Likely benign. ACMG/AMP criteria applied, as specified by the Myeloid Malignancy Variant Curation Expert Panel for RUNX1: BP4, BP7

Labcorp Genetics (formerly Invitae), Labcorp
Classification: Likely benign for Hereditary thrombocytopenia and hematological cancer predisposition syndrome associated with RUNX1. Last evaluated: 2023-10-13. Review status: criteria provided, single submitter. Criteria: Invitae Variant Classification Sherloc (09022015). Collection method: clinical testing. Allele origin: germline. Not counted in ClinVar's aggregate classification.